The following is an entry in ClinVar:

ClinVar aggregate classification (germline): Likely benign. Review status: criteria provided, single submitter (1 of 4 stars). 2 submissions from 2 submitters: Likely benign (1). 1 of the submissions does not count toward it. Last evaluated 2023-11-28.

Conditions:
ITGB4-related disorder. Also called: ITGB4-related condition.

Allele frequency attached by ClinVar (database versions not stated): ExAC 0.00001; gnomAD 0.00005; TOPMed 0.00005; ESP Exome Variant Server 0.00008.
gnomAD v4.1: 23 of 1,613,158 alleles (0.0014%); highest among the groups gnomAD compares: African/African-American, 0.012%; no homozygotes.

Submissions (2):

Labcorp Genetics (formerly Invitae), Labcorp
Classification: Likely benign. Last evaluated: 2023-11-28. Review status: criteria provided, single submitter. Criteria: Invitae Variant Classification Sherloc (09022015). Collection method: clinical testing. Allele origin: germline.

PreventionGenetics, part of Exact Sciences
Classification: Likely benign for ITGB4-related condition. Last evaluated: 2020-12-09. Review status: no assertion criteria provided. Collection method: clinical testing. Allele origin: germline. Not counted in ClinVar's aggregate classification.
Comment: This variant is classified as likely benign based on ACMG/AMP sequence variant interpretation guidelines (Richards et al. 2015 PMID: 25741868, with internal and published modifications).

NM_000213.5(ITGB4):c.2736C>T (p.His912=)

Gene: ITGB4 (integrin subunit beta 4; plus strand). Cytogenetic location: 17q25.1.
Variant type: single nucleotide variant.
Coding change: c.2736C>T on transcript NM_000213.5 (MANE Select); coding-DNA position 2736, C replaced by T.
Protein change: p.His912=; no amino-acid change (histidine 912 retained).
Molecular consequence: synonymous variant.
Genome position (GRCh38, 1-based): chr17:75,742,443, C>T. VCF-style: chr17-75742443-C-T. GRCh37 (hg19) VCF-style: chr17-73738524-C-T.
Other names: c.2736C>T, p.His912= (NM_001005619.2, NM_001005731.3, NM_001321123.2).
Identifiers: ClinVar variation 2729133 (VCV002729133.5), dbSNP rs375687714, ClinGen allele CA8769559.